The following is an entry in ClinVar:

NM_001351132.2(PEX5):c.*75G>A

Gene: PEX5 (peroxisomal biogenesis factor 5; plus strand). Cytogenetic location: 12p13.31.
Variant type: single nucleotide variant.
Coding change: c.*75G>A on transcript NM_001351132.2 (MANE Select); 75 bases downstream of the stop codon, G replaced by A.
Molecular consequence: 3 prime UTR variant. On other transcripts: intron variant (2).
Genome position (GRCh38, 1-based): chr12:7,210,298, G>A. VCF-style: chr12-7210298-G-A. GRCh37 (hg19) VCF-style: chr12-7362894-G-A.
Other names: NC_000012.11:g.7362894G>A; c.*75G>A (NM_001374648.2, NM_001374649.2, NM_000319.5 and 20 more transcripts); c.*19+56G>A (NM_001131026.2, NM_001374646.1).
Identifiers: ClinVar variation 310437 (VCV000310437.9), dbSNP rs112966367, ClinGen allele CA10638566.

ClinVar aggregate classification (germline): Benign. Review status: criteria provided, multiple submitters, no conflicts (2 of 4 stars). 3 submissions from 3 submitters: Benign (3). Last evaluated 2021-08-18.

Conditions:
Peroxisome biogenesis disorder 2A (Zellweger) (PBD2A). Also called: Cerebrohepatorenal syndrome, variant types. Identifiers: Orphanet 912, MedGen C3550273, MONDO:0008954, OMIM 214110.

Allele frequency attached by ClinVar (database versions not stated): gnomAD exomes 0.00164; gnomAD 0.01485 and 0.01593; 1000 Genomes Project 0.01597; TOPMed 0.01721; 1000 Genomes Project 30x 0.01765.
gnomAD v4.1: 4,494 of 1,451,382 alleles (0.31%); highest among the groups gnomAD compares: African/African-American, 5.1%; 93 homozygotes.

Submissions (8):

GeneDx
Classification: Benign. Last evaluated: 2021-08-18. Review status: criteria provided, single submitter. Criteria: GeneDx Variant Classification Process June 2021. Collection method: clinical testing. Allele origin: germline. Affected: yes.

Illumina Laboratory Services, Illumina
Classification: Benign for Peroxisome biogenesis disorder 2A (Zellweger). Last evaluated: 2018-01-13. Review status: criteria provided, single submitter. Criteria: ICSL Variant Classification Criteria 13 December 2019. Collection method: clinical testing. Allele origin: germline.
Comment: This variant was observed in the ICSL laboratory as part of a predisposition screen in an ostensibly healthy population. It had not been previously curated by ICSL or reported in the Human Gene Mutation Database (HGMD: prior to June 1st, 2018), and was therefore a candidate for classification through an automated scoring system. Utilizing variant allele frequency, disease prevalence and penetrance estimates, and inheritance mode, an automated score was calculated to assess if this variant is too frequent to cause the disease. Based on the score and internal cut-off values, a variant classified as benign is not then subjected to further curation. The score for this variant resulted in a classification of benign for this disease.

Breakthrough Genomics
Classification: Benign. Review status: criteria provided, single submitter. Criteria: ACMG Guidelines, 2015. Collection method: not provided. Allele origin: germline. Inheritance: Autosomal recessive inheritance. Affected: yes.

Dr. Peter K. Rogan Lab, Western University
No classification provided (evidence only). Condition: Uterine corpus endometrial carcinoma. Review status: no classification provided. Collection method: in vitro. Allele origin: not applicable. Functional consequence: retained intron. Not counted in ClinVar's aggregate classification.

Dr. Peter K. Rogan Lab, Western University
No classification provided (evidence only). Condition: Uterine corpus endometrial carcinoma. Review status: no classification provided. Collection method: in vitro. Allele origin: not applicable. Functional consequence: retained intron. Not counted in ClinVar's aggregate classification.

Dr. Peter K. Rogan Lab, Western University
No classification provided (evidence only). Condition: Uterine corpus endometrial carcinoma. Review status: no classification provided. Collection method: in vitro. Allele origin: not applicable. Functional consequence: retained intron. Not counted in ClinVar's aggregate classification.

Dr. Peter K. Rogan Lab, Western University
No classification provided (evidence only). Condition: Thymoma. Review status: no classification provided. Collection method: in vitro. Allele origin: not applicable. Functional consequence: retained intron. Not counted in ClinVar's aggregate classification.

Dr. Peter K. Rogan Lab, Western University
No classification provided (evidence only). Condition: Malignant tumor of esophagus. Review status: no classification provided. Collection method: in vitro. Allele origin: not applicable. Functional consequence: retained intron. Not counted in ClinVar's aggregate classification.